The following is an entry in ClinVar:

NM_017934.7(PHIP):c.2514A>G (p.Ala838=)

Gene: PHIP (PHIP subunit of CUL4-Ring ligase complex; minus strand). Cytogenetic location: 6q14.1.
Variant type: single nucleotide variant.
Coding change: c.2514A>G on transcript NM_017934.7 (MANE Select); coding-DNA position 2514, A replaced by G.
Protein change: p.Ala838=; no amino-acid change (alanine 838 retained).
Molecular consequence: synonymous variant.
Genome position (GRCh38, 1-based): chr6:78,985,375, T>C on the plus strand (A>G on the coding strand, the complement: PHIP is on the minus strand). VCF-style: chr6-78985375-T-C. GRCh37 (hg19) VCF-style: chr6-79695092-T-C.
Identifiers: ClinVar variation 3357483 (VCV003357483.1).

ClinVar aggregate classification (germline): Likely benign (0 of 4 stars; one submission).

Conditions:
PHIP-related disorder. Also called: PHIP-related condition; PHIP-related disorders.

gnomAD v4.1: 62 of 1,598,574 alleles (0.0039%); highest among the groups gnomAD compares: African/African-American, 0.0094%; no homozygotes.

Submission:

PreventionGenetics, part of Exact Sciences
Classification: Likely benign for PHIP-related condition. Last evaluated: 2023-06-02. Review status: no assertion criteria provided. Collection method: clinical testing. Allele origin: germline.
Comment: This variant is classified as likely benign based on ACMG/AMP sequence variant interpretation guidelines (Richards et al. 2015 PMID: 25741868, with internal and published modifications).